The following is an entry in ClinVar:

ClinVar aggregate classification (germline): Uncertain significance (1 of 4 stars; one submission).

Conditions:
Inflammatory bowel disease 28. Also called: Inflammatory bowel disease 28, early onset, autosomal recessive. Identifiers: Orphanet 238569, MedGen C2751053, MONDO:0013153, OMIM 613148.

Allele frequency attached by ClinVar (database versions not stated): TOPMed 0.00002; ExAC 0.00006.
gnomAD v4.1: 22 of 1,555,750 alleles (0.0014%); highest among the groups gnomAD compares: Middle Eastern, 0.034%; no homozygotes.

Submission:

Labcorp Genetics (formerly Invitae), Labcorp
Classification: Uncertain significance for Inflammatory bowel disease 28. Last evaluated: 2024-12-12. Review status: criteria provided, single submitter. Criteria: Invitae Variant Classification Sherloc (09022015). Collection method: clinical testing. Allele origin: germline.
Comment: This sequence change replaces arginine, which is basic and polar, with cysteine, which is neutral and slightly polar, at codon 16 of the IL10RA protein (p.Arg16Cys). This variant is present in population databases (rs748428395, gnomAD 0.007%). This variant has not been reported in the literature in individuals affected with IL10RA-related conditions. ClinVar contains an entry for this variant (Variation ID: 834691). Invitae Evidence Modeling of protein sequence and biophysical properties (such as structural, functional, and spatial information, amino acid conservation, physicochemical variation, residue mobility, and thermodynamic stability) indicates that this missense variant is not expected to disrupt IL10RA protein function with a negative predictive value of 80%. In summary, the available evidence is currently insufficient to determine the role of this variant in disease. Therefore, it has been classified as a Variant of Uncertain Significance.

NM_001558.4(IL10RA):c.46C>T (p.Arg16Cys)

Gene: IL10RA (interleukin 10 receptor subunit alpha; plus strand). Cytogenetic location: 11q23.3.
Variant type: single nucleotide variant.
Coding change: c.46C>T on transcript NM_001558.4 (MANE Select); coding-DNA position 46, C replaced by T.
Protein change: p.Arg16Cys; replaces arginine 16 with cysteine.
Molecular consequence: missense variant. On other transcripts: non-coding transcript variant (1).
Genome position (GRCh38, 1-based): chr11:117,986,513, C>T. VCF-style: chr11-117986513-C-T. GRCh37 (hg19) VCF-style: chr11-117857228-C-T.
Other names: short protein forms R16C.
Identifiers: ClinVar variation 834691 (VCV000834691.7), dbSNP rs748428395, ClinGen allele CA6298793.